The following is an entry in ClinVar:

ClinVar aggregate classification (germline): Uncertain significance (1 of 4 stars; one submission).

Conditions:
Familial cancer of breast. Also called: hereditary breast carcinoma; BREAST CANCER, FAMILIAL; Hereditary breast cancer. Identifiers: Orphanet 227535, MedGen C0346153, MONDO:0016419, OMIM 114480. Disease mechanism: loss of function.

Submission:

Labcorp Genetics (formerly Invitae), Labcorp
Classification: Uncertain significance for Familial cancer of breast. Last evaluated: 2025-11-22. Review status: criteria provided, single submitter. Criteria: Invitae Variant Classification Sherloc (09022015). Collection method: clinical testing. Allele origin: germline.
Comment: This sequence change replaces proline, which is neutral and non-polar, with arginine, which is basic and polar, at codon 338 of the PALB2 protein (p.Pro338Arg). This variant is not present in population databases (gnomAD no frequency). This variant has not been reported in the literature in individuals affected with PALB2-related conditions. Invitae Evidence Modeling of protein sequence and biophysical properties (such as structural, functional, and spatial information, amino acid conservation, physicochemical variation, residue mobility, and thermodynamic stability) indicates that this missense variant is not expected to disrupt PALB2 protein function with a negative predictive value of 80%. In summary, the available evidence is currently insufficient to determine the role of this variant in disease. Therefore, it has been classified as a Variant of Uncertain Significance.

NM_024675.4(PALB2):c.1013C>G (p.Pro338Arg)

Gene: PALB2 (partner and localizer of BRCA2; minus strand). Cytogenetic location: 16p12.2.
Variant type: single nucleotide variant.
Coding change: c.1013C>G on transcript NM_024675.4 (MANE Select); coding-DNA position 1013, C replaced by G.
Protein change: p.Pro338Arg; replaces proline 338 with arginine.
Molecular consequence: missense variant. On other transcripts: intron variant (3).
Genome position (GRCh38, 1-based): chr16:23,635,533, G>C on the plus strand (C>G on the coding strand, the complement: PALB2 is on the minus strand). VCF-style: chr16-23635533-G-C. GRCh37 (hg19) VCF-style: chr16-23646854-G-C.
Other names: c.48+5577C>G (NM_001407314.1); c.-104-5064C>G (NM_001407313.1, NM_001407312.1); c.953C>G, p.Pro318Arg (NM_001407296.1); c.1013C>G, p.Pro338Arg (NM_001407297.1, NM_001407298.1, NM_001407299.1 and 3 more transcripts); c.128C>G, p.Pro43Arg (NM_001407304.1, NM_001407305.1, NM_001407306.1 and 5 more transcripts); short protein forms P318R, P338R, P43R.
Identifiers: ClinVar variation 4720181 (VCV004720181.1).
Genomic context (GRCh38, chr16:23,635,533, plus strand): 5'-GGAGATTTTAAAGATTTCTCTGTTTGATTTTGTTCTTTTAAGTTTTGGTTTTCATTTGCT[G>C]GTAAGTTATTGTAGGTGAGTTCATTTAGAGAACATGAAATATTTGCCTCTAAATTAGAAC-3'
Protein context (NP_078951.2, residues 328-348): SLNELTYNNL[Pro338Arg]ANENQNLKEQ